The following is an entry in ClinVar:

NM_001776.6(ENTPD1):c.979C>G (p.Gln327Glu)

Genes: ENTPD1 (ectonucleoside triphosphate diphosphohydrolase 1; plus strand), ENTPD1-AS1 (ENTPD1 antisense RNA 1; minus strand). Cytogenetic location: 10q24.1.
Variant type: single nucleotide variant.
Coding change: c.979C>G on transcript NM_001776.6 (MANE Select); coding-DNA position 979, C replaced by G.
Protein change: p.Gln327Glu; replaces glutamine 327 with glutamic acid.
Molecular consequence: missense variant.
Genome position (GRCh38, 1-based): chr10:95,847,611, C>G. VCF-style: chr10-95847611-C-G. GRCh37 (hg19) VCF-style: chr10-97607368-C-G.
Other names: c.1000C>G, p.Gln334Glu (NM_001098175.2); c.1015C>G, p.Gln339Glu (NM_001164178.1, NM_001320916.1); c.856C>G, p.Gln286Glu (NM_001164179.2); c.655C>G, p.Gln219Glu (NM_001164181.1, NM_001312654.1); c.565C>G, p.Gln189Glu (NM_001164182.2, NM_001164183.2); short protein forms Q189E, Q219E, Q286E, Q327E, Q334E, Q339E.
Identifiers: ClinVar variation 2048993 (VCV002048993.4), dbSNP rs763453126, ClinGen allele CA5621509.

ClinVar aggregate classification (germline): Uncertain significance (1 of 4 stars; one submission).

Conditions:
Hereditary spastic paraplegia 64. Also called: Spastic paraplegia 64, autosomal recessive; ENTPD1-Related Neurodevelopmental Disorder. Identifiers: Orphanet 401810, MedGen C3810289, MONDO:0014303, OMIM 615683.

Allele frequency attached by ClinVar (database versions not stated): gnomAD exomes below 0.00001; TOPMed 0.00001; ExAC 0.00002; gnomAD 0.00002.

Submission:

Labcorp Genetics (formerly Invitae), Labcorp
Classification: Uncertain significance for Hereditary spastic paraplegia 64. Last evaluated: 2022-08-09. Review status: criteria provided, single submitter. Criteria: Invitae Variant Classification Sherloc (09022015). Collection method: clinical testing. Allele origin: germline.
Comment: This variant has not been reported in the literature in individuals affected with ENTPD1-related conditions. Algorithms developed to predict the effect of missense changes on protein structure and function output the following: SIFT: "Tolerated"; PolyPhen-2: "Benign"; Align-GVGD: "Class C0". The glutamic acid amino acid residue is found in multiple mammalian species, which suggests that this missense change does not adversely affect protein function. In summary, the available evidence is currently insufficient to determine the role of this variant in disease. Therefore, it has been classified as a Variant of Uncertain Significance. This sequence change replaces glutamine, which is neutral and polar, with glutamic acid, which is acidic and polar, at codon 327 of the ENTPD1 protein (p.Gln327Glu). This variant is present in population databases (rs763453126, gnomAD 0.004%).